The following is an entry in ClinVar:

ClinVar aggregate classification (germline): Likely benign (1 of 4 stars; one submission).

Submission:

GeneDx
Classification: Likely benign. Last evaluated: 2013-04-16. Review status: criteria provided, single submitter. Criteria: GeneDx Variant Classification (06012015). Collection method: clinical testing. Allele origin: germline. Affected: yes.
Comment: The variant is found in EPILEPSY panel(s).

NM_002693.3(POLG):c.-186_-185delinsCC

Genes: POLG (DNA polymerase gamma, catalytic subunit; minus strand), POLG-DT (POLG divergent transcript; plus strand), POLGARF (POLG alternative reading frame; minus strand). Cytogenetic location: 15q26.1.
Variant type: Indel.
Coding change: c.-186_-185delinsCC on transcript NM_002693.3 (MANE Select); 186 bases upstream of the start codon through 185 bases upstream of the start codon, AG replaced by CC.
Molecular consequence: 5 prime UTR variant.
Genome position (GRCh38, 1-based): chr15:89,334,698-89,334,699, CT replaced by GG on the plus strand (AG replaced by CC on the coding strand, the reverse complement: POLG is on the minus strand). VCF-style: chr15-89334698-CT-GG. GRCh37 (hg19) VCF-style: chr15-89877929-CT-GG.
Other names: c.-174_-173delinsCC (NM_001126131.2).
Identifiers: ClinVar variation 206495 (VCV000206495.1), dbSNP rs796052879, ClinGen allele CA316639.
Genomic context (GRCh38, chr15:89,334,698, plus strand): 5'-GACCCGGCCTCCCCGCCGCCGACCCCGCCGGAAACCTCGGTCCTCACGGTGCTTCCCGGT[CT>GG]GCTGCTCCCCCGACCCCAGGCCCACGGCACGGCGTCCCCCTTCGCGCGGCCTACGCAGCC-3'